The following is an entry in ClinVar:

NM_001243133.2(NLRP3):c.1307C>T (p.Thr436Ile)

Gene: NLRP3 (NLR family pyrin domain containing 3; plus strand). Cytogenetic location: 1q44.
Variant type: single nucleotide variant.
Coding change: c.1307C>T on transcript NM_001243133.2 (MANE Select); coding-DNA position 1307, C replaced by T.
Protein change: p.Thr436Ile; replaces threonine 436 with isoleucine.
Molecular consequence: missense variant.
Genome position (GRCh38, 1-based): chr1:247,424,756, C>T. VCF-style: chr1-247424756-C-T. GRCh37 (hg19) VCF-style: chr1-247588058-C-T.
Other names: c.1307C>T, p.Thr436Ile (NM_001079821.3, NM_001127461.3, NM_001127462.3 and 1 more transcripts); c.1313C>T, p.Thr438Ile (NM_004895.5); short protein forms T438I, T436I.
Identifiers: ClinVar variation 97924 (VCV000097924.11), dbSNP rs180177433, ClinGen allele CA281177.

ClinVar aggregate classification (germline): Pathogenic/Likely pathogenic. Review status: criteria provided, multiple submitters, no conflicts (2 of 4 stars). 3 submissions from 3 submitters: Pathogenic (1); Likely pathogenic (1). 1 of the submissions does not count toward it. Last evaluated 2025-04-21.

Conditions:
Cryopyrin associated periodic syndrome (CAPS). Identifiers: Orphanet 208650, MedGen C2316212, MONDO:0016168.
Familial cold autoinflammatory syndrome 1 (FCAS1). Also called: Familial cold inflammatory syndrome 1; CRYOPYRIN-ASSOCIATED PERIODIC SYNDROME 1. Identifiers: Orphanet 47045, MedGen C4551895, MONDO:0007349, OMIM 120100.

Submissions (3):

Labcorp Genetics (formerly Invitae), Labcorp
Classification: Pathogenic for Cryopyrin associated periodic syndrome. Last evaluated: 2025-04-21. Review status: criteria provided, single submitter. Criteria: Invitae Variant Classification Sherloc (09022015). Collection method: clinical testing. Allele origin: germline.
Comment: This sequence change replaces threonine, which is neutral and polar, with isoleucine, which is neutral and non-polar, at codon 438 of the NLRP3 protein (p.Thr438Ile). This variant is not present in population databases (gnomAD no frequency). This missense change has been observed in individuals with cryopyrin-associated periodic syndromes (CAPS) (PMID: 18080732, 26931528, 28501347, 29047407, 29988644). This variant is also known as 1307C>T and T436I. ClinVar contains an entry for this variant (Variation ID: 97924). Invitae Evidence Modeling of protein sequence and biophysical properties (such as structural, functional, and spatial information, amino acid conservation, physicochemical variation, residue mobility, and thermodynamic stability) indicates that this missense variant is expected to disrupt NLRP3 protein function with a positive predictive value of 95%. This variant disrupts the p.Thr438 amino acid residue in NLRP3. Other variant(s) that disrupt this residue have been observed in individuals with NLRP3-related conditions (PMID: 12032915, 17513575, 25979514, 26245507, 27191192), which suggests that this may be a clinically significant amino acid residue. For these reasons, this variant has been classified as Pathogenic.

ARUP Laboratories, Molecular Genetics and Genomics, ARUP Laboratories
Classification: Likely pathogenic. Last evaluated: 2022-04-29. Review status: criteria provided, single submitter. Criteria: ARUP Molecular Germline Variant Investigation Process 2021. Collection method: clinical testing. Allele origin: germline.
Comment: The NLRP3 c.1313C>T; p.Thr438Ile variant (rs180177433), also published as Thr346Ile, is reported in the literature in several unrelated individuals affected with CAPS (Chan 2018, Jesus 2008, Munoz 2017, Neven 2004, Papa 2017). This variant is reported in ClinVar (Variation ID: 97924) and is absent from the Genome Aggregation Database, indicating it is not a common polymorphism. The threonine at codon 438 is highly conserved, and computational analyses predict that this variant is deleterious (REVEL: 0.759). Additionally, other variants in the same codon (p.Thr438Ala, p.Thr348Asn) have also been reported in affected individuals (Feldmann 2002, Zeft 2007). Based on available information, this variant is classified as likely pathogenic. References: Chan L et al. Erythema nodosum in an adolescent patient with cryopyrin-associated periodic syndrome. Clin Case Rep. 2018 May 15;6(7):1241-1245. PMID: 29988644. Feldmann J et al. Chronic infantile neurological cutaneous and articular syndrome is caused by mutations in CIAS1, a gene highly expressed in polymorphonuclear cells and chondrocytes. Am J Hum Genet. 2002 Jul;71(1):198-203. PMID: 12032915. Jesus AA et al. Phenotype-genotype analysis of cryopyrin-associated periodic syndromes (CAPS): description of a rare non-exon 3 and a novel CIAS1 missense mutation. J Clin Immunol. 2008 Mar;28(2):134-8. PMID: 18080732. Munoz MA et al. Defective protein prenylation is a diagnostic biomarker of mevalonate kinase deficiency. J Allergy Clin Immunol. 2017 Sep;140(3):873-875.e6. PMID: 28501347. Neven B et al. Molecular basis of the spectral expression of CIAS1 mutations associated with phagocytic cell-mediated autoinflammatory disorders CINCA/NOMID, MWS, and FCU. Blood. 2004 Apr 1;103(7):2809-15. PMID: 14630794. Papa R et al. A web-based collection of genotype-phenotype associations in hereditary recurrent fevers from the Eurofever registry. Orphanet J Rare Dis. 2017 Oct 18;12(1):167. PMID: 29047407. Zeft A and Bohnsack JF. Cryopyrin-associated autoinflammatory syndrome: a new mutation. Ann Rheum Dis. 2007 Jun;66(6):843-4. PMID: 17513575.

Unité médicale des maladies autoinflammatoires, CHRU Montpellier
No classification provided. Condition: Familial cold urticaria. Review status: no classification provided. Collection method: not provided. Allele origin: unknown. Not counted in ClinVar's aggregate classification.
Comment: also involved in OMIM 191900 and 607115

Literature cited by the submitters: PubMed 18080732 (cited by Labcorp Genetics (formerly Invitae), Labcorp); PubMed 26931528 (cited by Labcorp Genetics (formerly Invitae), Labcorp); PubMed 28501347 (cited by Labcorp Genetics (formerly Invitae), Labcorp); PubMed 29047407 (cited by Labcorp Genetics (formerly Invitae), Labcorp); PubMed 29988644 (cited by Labcorp Genetics (formerly Invitae), Labcorp); PubMed 12032915 (cited by Labcorp Genetics (formerly Invitae), Labcorp); PubMed 17513575 (cited by Labcorp Genetics (formerly Invitae), Labcorp); PubMed 25979514 (cited by Labcorp Genetics (formerly Invitae), Labcorp); PubMed 26245507 (cited by Labcorp Genetics (formerly Invitae), Labcorp); PubMed 27191192 (cited by Labcorp Genetics (formerly Invitae), Labcorp).